The following is an entry in ClinVar:

NM_000071.3(CBS):c.1160_1168delinsA (p.Ser387fs)

Gene: CBS (cystathionine beta-synthase; minus strand). Cytogenetic location: 21q22.3.
Variant type: Indel.
Coding change: c.1160_1168delinsA on transcript NM_000071.3 (MANE Select); coding-DNA positions 1160 to 1168, GCGACAGGT replaced by A.
Protein change: p.Ser387fs; shifts the reading frame from serine 387.
Molecular consequence: frameshift variant.
Genome position (GRCh38, 1-based): chr21:43,059,281-43,059,289, ACCTGTCGC replaced by T on the plus strand (GCGACAGGT replaced by A on the coding strand, the reverse complement: CBS is on the minus strand). VCF-style: chr21-43059281-ACCTGTCGC-T. GRCh37 (hg19) VCF-style: chr21-44479391-ACCTGTCGC-T.
Other names: c.1160_1168delinsA, p.Ser387fs (NM_001178008.3, NM_001178009.3, NM_001320298.2); c.845_853delinsA, p.Ser282fs (NM_001321072.1); short protein forms S282fs, S387fs.
Identifiers: ClinVar variation 5015998 (VCV005015998.1).

ClinVar aggregate classification (germline): Pathogenic (1 of 4 stars; one submission).

Conditions:
Classic homocystinuria. Also called: HOMOCYSTINURIA WITH OR WITHOUT RESPONSE TO PYRIDOXINE; Homocystinuria due to CBS deficiency; Cystathionine beta-synthase deficiency; CBS deficiency; Homocystinuria due to Cystathionine Beta-Synthase Deficiency. Identifiers: Orphanet 394, MedGen C0751202, MONDO:0009352, OMIM 236200.

Submission:

Myriad Genetics, Inc.
Classification: Pathogenic for Classic homocystinuria. Last evaluated: 2026-06-05. Review status: criteria provided, single submitter. Criteria: Myriad Autosomal Dominant, Autosomal Recessive and X-Linked Classification Criteria (2023). Collection method: clinical testing. Allele origin: unknown.
Comment: NM_000071.2(CBS):c.1160_1168del9ins1(S387Kfs*62) is expected to be pathogenic in the context of homocystinuria, CBS-related. This variant is predicted to lead to an abnormal or absent protein product due to the creation of a premature termination codon in CBS, a gene where loss-of-function variants are known to be pathogenic. Please note: this variant was assessed in the context of healthy population screening.